The following is an entry in ClinVar:

ClinVar aggregate classification (germline): Uncertain significance (1 of 4 stars; one submission).

Submission:

Labcorp Genetics (formerly Invitae), Labcorp
Classification: Uncertain significance. Last evaluated: 2025-11-09. Review status: criteria provided, single submitter. Criteria: Invitae Variant Classification Sherloc (09022015). Collection method: clinical testing. Allele origin: germline.
Comment: This variant, c.3352_3354del, results in the deletion of 1 amino acid(s) of the CACNA1E protein (p.Lys1118del), but otherwise preserves the integrity of the reading frame. This variant is not present in population databases (gnomAD no frequency). This variant has not been reported in the literature in individuals affected with CACNA1E-related conditions. Experimental studies and prediction algorithms are not available or were not evaluated, and the functional significance of this variant is currently unknown. In summary, the available evidence is currently insufficient to determine the role of this variant in disease. Therefore, it has been classified as a Variant of Uncertain Significance.

NM_001205293.3(CACNA1E):c.3349AAG[1] (p.Lys1118del)

Gene: CACNA1E (calcium voltage-gated channel subunit alpha1 E; plus strand). Cytogenetic location: 1q25.3.
Variant type: Microsatellite.
Coding change: c.3349AAG[1] on transcript NM_001205293.3 (MANE Select); one copy of the 3-base unit AAG starting at c.3349; the reference has two copies in a row; one copy, 3 bases deleted.
Protein change: p.Lys1118del; deletes lysine 1118.
Molecular consequence: inframe deletion.
Genome position (GRCh38, 1-based): chr1:181,736,364-181,736,366, AAG deleted; deleting any 3 consecutive bases within chr1:181,736,359-181,736,366 gives the same sequence; the position shown is the placement nearest the transcript's 3' end. VCF-style (leftmost placement, unchanged base first): chr1-181736358-CAGA-C. GRCh37 (hg19) VCF-style: chr1-181705494-CAGA-C.
Other names: c.3349AAG[1], p.Lys1118del (NM_000721.4); c.3292AAG[1], p.Lys1099del (NM_001205294.2); short protein forms K1099del, K1118del.
Identifiers: ClinVar variation 1400661 (VCV001400661.8), dbSNP rs947294734, ClinGen allele CA33817942.
Genomic context (GRCh38, chr1:181,736,358, plus strand): 5'-GCCAGTCCCTTGAAGGAGGCAGAGATCAGAGAGGATGAGGAGGAGGTGGAGAAGAAGAAG[CAGA>C]AGAAGGAGAAGCGTGAGACAGGCAAAGCCATGGTGCCCCACAGCTCAATGTTCATCTTCA-3'